The following is an entry in ClinVar:

ClinVar aggregate classification (germline): Benign/Likely benign. Review status: criteria provided, multiple submitters, no conflicts (2 of 4 stars). 3 submissions from 3 submitters: Benign (1); Likely benign (2). Last evaluated 2025-11-24.

Conditions:
Multiple endocrine neoplasia, type 1 (MEN1). Also called: MEN I; MEA I; Endocrine adenomatosis multiple; MEN 1; WERMER SYNDROME. Identifiers: Orphanet 652, MedGen C0025267, MeSH D018761, MONDO:0007540, OMIM 131100.
Hereditary cancer-predisposing syndrome. Also called: Neoplastic Syndromes, Hereditary; Hereditary neoplastic syndrome; Tumor predisposition; Hereditary Cancer Syndrome. Identifiers: Orphanet 140162, MedGen C0027672, MeSH D009386, MONDO:0015356.

Allele frequency attached by ClinVar (database versions not stated): TOPMed below 0.00001.

Submissions (3):

Labcorp Genetics (formerly Invitae), Labcorp
Classification: Likely benign for Multiple endocrine neoplasia, type 1. Last evaluated: 2025-11-24. Review status: criteria provided, single submitter. Criteria: Invitae Variant Classification Sherloc (09022015). Collection method: clinical testing. Allele origin: germline.

Myriad Genetics, Inc.
Classification: Benign for Multiple endocrine neoplasia, type 1. Last evaluated: 2024-11-05. Review status: criteria provided, single submitter. Criteria: Myriad Autosomal Dominant, Autosomal Recessive and X-Linked Classification Criteria (2023). Collection method: clinical testing. Allele origin: unknown.
Comment: This variant is considered benign. This variant is a silent/synonymous amino acid change and it is not expected to impact splicing.

Ambry Genetics
Classification: Likely benign for Hereditary cancer-predisposing syndrome. Last evaluated: 2023-01-19. Review status: criteria provided, single submitter. Criteria: Ambry Variant Classification Scheme 2023. Collection method: clinical testing. Allele origin: germline.

NM_001370259.2(MEN1):c.1314C>T (p.Thr438=)

Gene: MEN1 (menin 1; minus strand). Cytogenetic location: 11q13.1.
Variant type: single nucleotide variant.
Coding change: c.1314C>T on transcript NM_001370259.2 (MANE Select); coding-DNA position 1314, C replaced by T.
Protein change: p.Thr438=; no amino-acid change (threonine 438 retained).
Molecular consequence: synonymous variant.
Genome position (GRCh38, 1-based): chr11:64,805,070, G>A on the plus strand (C>T on the coding strand, the complement: MEN1 is on the minus strand). VCF-style: chr11-64805070-G-A. GRCh37 (hg19) VCF-style: chr11-64572542-G-A.
Other names: c.1329C>T, p.Thr443= (NM_000244.4, NM_130800.3, NM_130801.3 and 3 more transcripts); c.1440C>T, p.Thr480= (NM_001370251.2); c.1314C>T, p.Thr438= (NM_001370260.2, NM_001370261.2, NM_130799.3); c.1209C>T, p.Thr403= (NM_001370262.2, NM_001370263.2).
Identifiers: ClinVar variation 792388 (VCV000792388.13), dbSNP rs897481809, ClinGen allele CA223912289.